The following is an entry in ClinVar:

ClinVar aggregate classification (germline): Likely benign. Review status: criteria provided, single submitter (1 of 4 stars). 2 submissions from 2 submitters: Likely benign (1). 1 of the submissions does not count toward it. Last evaluated 2025-12-28.

Conditions:
IFIH1-related disorder. Also called: IFIH1-related condition.
Aicardi-Goutieres syndrome 7 (AGS7). Identifiers: Orphanet 51, MedGen C3888244, MONDO:0014367, OMIM 615846.
Singleton-Merten syndrome 1 (SGMRT1). Also called: Widened medullary cavities of bone, aortic calcification, abnormal dentition, and muscular weakness; Syndrome of widened medullary cavities of the metacarpals and phalanges, aortic calcification and abnormal dentition. Identifiers: Orphanet 85191, MedGen C4225427, MONDO:0024535, OMIM 182250.

Allele frequency attached by ClinVar (database versions not stated): gnomAD exomes 0.00001 and 0.00002; TOPMed 0.00002; ExAC 0.00003.
gnomAD v4.1: 7 of 1,609,018 alleles (0.00044%); highest among the groups gnomAD compares: Admixed American, 0.012%; no homozygotes.

Submissions (2):

Labcorp Genetics (formerly Invitae), Labcorp
Classification: Likely benign for Aicardi-Goutieres syndrome 7; Singleton-Merten syndrome 1. Last evaluated: 2025-12-28. Review status: criteria provided, single submitter. Criteria: Invitae Variant Classification Sherloc (09022015). Collection method: clinical testing. Allele origin: germline.

PreventionGenetics, part of Exact Sciences
Classification: Likely benign for IFIH1-related condition. Last evaluated: 2019-04-01. Review status: no assertion criteria provided. Collection method: clinical testing. Allele origin: germline. Not counted in ClinVar's aggregate classification.
Comment: This variant is classified as likely benign based on ACMG/AMP sequence variant interpretation guidelines (Richards et al. 2015 PMID: 25741868, with internal and published modifications).

NM_022168.4(IFIH1):c.2019T>C (p.Asp673=)

Gene: IFIH1 (interferon induced with helicase C domain 1; minus strand). Cytogenetic location: 2q24.2.
Variant type: single nucleotide variant.
Coding change: c.2019T>C on transcript NM_022168.4 (MANE Select); coding-DNA position 2019, T replaced by C.
Protein change: p.Asp673=; no amino-acid change (aspartic acid 673 retained).
Molecular consequence: synonymous variant.
Genome position (GRCh38, 1-based): chr2:162,277,440, A>G on the plus strand (T>C on the coding strand, the complement: IFIH1 is on the minus strand). VCF-style: chr2-162277440-A-G. GRCh37 (hg19) VCF-style: chr2-163133950-A-G.
Identifiers: ClinVar variation 715230 (VCV000715230.9), dbSNP rs779835794, ClinGen allele CA1934329.
Genomic context (GRCh38, chr2:162,277,440, plus strand): 5'-TGAATGACACCAGTATATGTTACTTTGAATCTTACCAAAAAATAAAGTCATGAGAAATCT[A>G]TCTGTTTCATCCAGTTTCAAAGGTTTCTTTAAATCATCCTCATCTTCATCACCATCACAA-3'
Protein context (NP_071451.2, residues 663-683): LKKPLKLDET[Asp673=]RFLMTLFFEN